The following is an entry in ClinVar:

ClinVar aggregate classification (germline): Uncertain significance (1 of 4 stars; one submission).

Conditions:
Multiple gastrointestinal atresias. Also called: FAMILIAL INTESTINAL POLYATRESIA SYNDROME; Multiple intestinal atresia. Identifiers: Orphanet 2300, MedGen C0220744, MONDO:0009465.

gnomAD v4.1: 19 of 1,614,120 alleles (0.0012%); highest among the groups gnomAD compares: Non-Finnish European, 0.0016%; no homozygotes.

Submission:

Labcorp Genetics (formerly Invitae), Labcorp
Classification: Uncertain significance for Multiple gastrointestinal atresias. Last evaluated: 2022-08-03. Review status: criteria provided, single submitter. Criteria: Invitae Variant Classification Sherloc (09022015). Collection method: clinical testing. Allele origin: germline.
Comment: In summary, the available evidence is currently insufficient to determine the role of this variant in disease. Therefore, it has been classified as a Variant of Uncertain Significance. Algorithms developed to predict the effect of missense changes on protein structure and function are either unavailable or do not agree on the potential impact of this missense change (SIFT: "Deleterious"; PolyPhen-2: "Possibly Damaging"; Align-GVGD: "Class C0"). This variant has not been reported in the literature in individuals affected with TTC7A-related conditions. This variant is not present in population databases (gnomAD no frequency). This sequence change replaces arginine, which is basic and polar, with leucine, which is neutral and non-polar, at codon 163 of the TTC7A protein (p.Arg163Leu).

NM_020458.4(TTC7A):c.488G>T (p.Arg163Leu)

Gene: TTC7A (tetratricopeptide repeat domain 7A; plus strand). Cytogenetic location: 2p21.
Variant type: single nucleotide variant.
Coding change: c.488G>T on transcript NM_020458.4 (MANE Select); coding-DNA position 488, G replaced by T.
Protein change: p.Arg163Leu; replaces arginine 163 with leucine.
Molecular consequence: missense variant. On other transcripts: 5 prime UTR variant (1).
Genome position (GRCh38, 1-based): chr2:46,956,978, G>T. VCF-style: chr2-46956978-G-T. GRCh37 (hg19) VCF-style: chr2-47184117-G-T.
Other names: c.488G>T, p.Arg163Leu (NM_001288951.2); c.386G>T, p.Arg129Leu (NM_001288953.2); c.-417G>T (NM_001288955.2); short protein forms R129L, R163L.
Identifiers: ClinVar variation 1999485 (VCV001999485.4), dbSNP rs781503883, ClinGen allele CA46622621.